The following is an entry in ClinVar:

NM_002047.4(GARS1):c.164T>C (p.Met55Thr)

Gene: GARS1 (glycyl-tRNA synthetase 1; plus strand). Cytogenetic location: 7p14.3.
Variant type: single nucleotide variant.
Coding change: c.164T>C on transcript NM_002047.4 (MANE Select); coding-DNA position 164, T replaced by C.
Protein change: p.Met55Thr; replaces methionine 55 with threonine.
Molecular consequence: missense variant. On other transcripts: initiator codon variant (1).
Genome position (GRCh38, 1-based): chr7:30,595,085, T>C. VCF-style: chr7-30595085-T-C. GRCh37 (hg19) VCF-style: chr7-30634701-T-C.
Other names: c.2T>C, p.Met1Thr (NM_001316772.1); short protein forms M55T, M1T.
Identifiers: ClinVar variation 2019909 (VCV002019909.5), dbSNP rs2534280878, ClinGen allele CA367138664.

ClinVar aggregate classification (germline): Uncertain significance (1 of 4 stars; one submission).

Conditions:
Charcot-Marie-Tooth disease type 2. Also called: Charcot-Marie-Tooth type 2. Identifiers: Orphanet 64746, MedGen C0270914, MONDO:0018993.

Submission:

Labcorp Genetics (formerly Invitae), Labcorp
Classification: Uncertain significance for Charcot-Marie-Tooth disease type 2. Last evaluated: 2024-10-09. Review status: criteria provided, single submitter. Criteria: Invitae Variant Classification Sherloc (09022015). Collection method: clinical testing. Allele origin: germline.
Comment: This sequence change replaces methionine, which is neutral and non-polar, with threonine, which is neutral and polar, at codon 55 of the GARS protein (p.Met55Thr). This variant is not present in population databases (gnomAD no frequency). This variant has not been reported in the literature in individuals affected with GARS-related conditions. ClinVar contains an entry for this variant (Variation ID: 2019909). Invitae Evidence Modeling of protein sequence and biophysical properties (such as structural, functional, and spatial information, amino acid conservation, physicochemical variation, residue mobility, and thermodynamic stability) indicates that this missense variant is not expected to disrupt GARS protein function with a negative predictive value of 95%. In summary, the available evidence is currently insufficient to determine the role of this variant in disease. Therefore, it has been classified as a Variant of Uncertain Significance.